The following is an entry in ClinVar:

NM_004360.5(CDH1):c.267dup (p.Arg90fs)

Gene: CDH1 (cadherin 1; plus strand). Cytogenetic location: 16q22.1.
Variant type: Duplication.
Coding change: c.267dup on transcript NM_004360.5 (MANE Select); coding-DNA position 267, one base duplicated (A; older notation c.267dupA).
Protein change: p.Arg90fs; shifts the reading frame from arginine 90.
Molecular consequence: frameshift variant. On other transcripts: 5 prime UTR variant (2).
Genome position (GRCh38, 1-based): chr16:68,801,773, A duplicated. VCF-style (leftmost placement, unchanged base first): chr16-68801772-T-TA. GRCh37 (hg19) VCF-style: chr16-68835675-T-TA.
Other names: c.267dup, p.Arg90fs (NM_001317184.2); c.-1349dup (NM_001317185.2); c.-1553dup (NM_001317186.2); short protein forms R90fs.
Identifiers: ClinVar variation 2583271 (VCV002583271.2), dbSNP rs2543905141, ClinGen allele CA2582342552.

ClinVar aggregate classification (germline): Pathogenic (1 of 4 stars; one submission).

Conditions:
Hereditary diffuse gastric adenocarcinoma (HDGC). Also called: DIFFUSE GASTRIC AND LOBULAR BREAST CANCER SYNDROME. Identifiers: Orphanet 26106, MedGen C1708349, MONDO:0007648, OMIM 137215.

Submission:

Myriad Genetics, Inc.
Classification: Pathogenic for Hereditary diffuse gastric adenocarcinoma. Last evaluated: 2023-06-08. Review status: criteria provided, single submitter. Criteria: Myriad Autosomal Dominant, Autosomal Recessive and X-Linked Classification Criteria (2023). Collection method: clinical testing. Allele origin: unknown.
Comment: This variant is considered pathogenic. This variant creates a frameshift predicted to result in premature protein truncation.